The following is an entry in ClinVar:

NM_003079.5(SMARCE1):c.1023G>C (p.Glu341Asp)

Gene: SMARCE1 (SWI/SNF related BAF chromatin remodeling complex subunit E1; minus strand). Cytogenetic location: 17q21.2.
Variant type: single nucleotide variant.
Coding change: c.1023G>C on transcript NM_003079.5 (MANE Select); coding-DNA position 1023, G replaced by C.
Protein change: p.Glu341Asp; replaces glutamic acid 341 with aspartic acid.
Molecular consequence: missense variant.
Genome position (GRCh38, 1-based): chr17:40,630,718, C>G on the plus strand (G>C on the coding strand, the complement: SMARCE1 is on the minus strand). VCF-style: chr17-40630718-C-G. GRCh37 (hg19) VCF-style: chr17-38786970-C-G.
Other names: short protein forms E341D.
Identifiers: ClinVar variation 1718091 (VCV001718091.5), dbSNP rs2143984477, ClinGen allele CA399363090.

ClinVar aggregate classification (germline): Uncertain significance (1 of 4 stars; one submission).

Conditions:
Familial meningioma. Also called: Meningioma, familial, susceptibility to. Identifiers: Orphanet 263662, MedGen C3551915, MONDO:0011789, OMIM 607174.

Submission:

Labcorp Genetics (formerly Invitae), Labcorp
Classification: Uncertain significance for Familial meningioma. Last evaluated: 2022-08-27. Review status: criteria provided, single submitter. Criteria: Invitae Variant Classification Sherloc (09022015). Collection method: clinical testing. Allele origin: germline.
Comment: This sequence change replaces glutamic acid, which is acidic and polar, with aspartic acid, which is acidic and polar, at codon 341 of the SMARCE1 protein (p.Glu341Asp). This variant is not present in population databases (gnomAD no frequency). This variant has not been reported in the literature in individuals affected with SMARCE1-related conditions. Algorithms developed to predict the effect of missense changes on protein structure and function output the following: SIFT: "Tolerated"; PolyPhen-2: "Benign"; Align-GVGD: "Class C0". The aspartic acid amino acid residue is found in multiple mammalian species, which suggests that this missense change does not adversely affect protein function. In summary, the available evidence is currently insufficient to determine the role of this variant in disease. Therefore, it has been classified as a Variant of Uncertain Significance.